The following is an entry in ClinVar:

ClinVar aggregate classification (germline): Uncertain significance. Review status: criteria provided, multiple submitters, no conflicts (2 of 4 stars). 3 submissions from 3 submitters: Uncertain significance (3). Last evaluated 2024-11-18.

Conditions:
Inborn genetic diseases. Identifiers: MedGen C0950123, MeSH D030342.

Allele frequency attached by ClinVar (database versions not stated): 1000 Genomes Project 30x 0.00016.

Submissions (3):

Labcorp Genetics (formerly Invitae), Labcorp
Classification: Uncertain significance. Last evaluated: 2024-11-18. Review status: criteria provided, single submitter. Criteria: Invitae Variant Classification Sherloc (09022015). Collection method: clinical testing. Allele origin: germline.
Comment: This sequence change replaces glycine, which is neutral and non-polar, with arginine, which is basic and polar, at codon 243 of the NEFH protein (p.Gly243Arg). This variant is present in population databases (no rsID available, gnomAD 0.005%). This variant has not been reported in the literature in individuals affected with NEFH-related conditions. ClinVar contains an entry for this variant (Variation ID: 1460954). Invitae Evidence Modeling of protein sequence and biophysical properties (such as structural, functional, and spatial information, amino acid conservation, physicochemical variation, residue mobility, and thermodynamic stability) indicates that this missense variant is not expected to disrupt NEFH protein function with a negative predictive value of 95%. In summary, the available evidence is currently insufficient to determine the role of this variant in disease. Therefore, it has been classified as a Variant of Uncertain Significance.

CeGaT Center for Human Genetics Tuebingen
Classification: Uncertain significance. Last evaluated: 2023-01-01. Review status: criteria provided, single submitter. Criteria: CeGaT Center For Human Genetics Tuebingen Variant Classification Criteria Version 2. Collection method: clinical testing. Allele origin: germline. Affected: yes. Observed: 1 variant allele.
Comment: NEFH: PP2

Ambry Genetics
Classification: Uncertain significance for Inborn genetic diseases. Last evaluated: 2022-03-19. Review status: criteria provided, single submitter. Criteria: Ambry Variant Classification Scheme 2023. Collection method: clinical testing. Allele origin: germline.
Comment: The p.G243R variant (also known as c.727G>C), located in coding exon 1 of the NEFH gene, results from a G to C substitution at nucleotide position 727. The glycine at codon 243 is replaced by arginine, an amino acid with dissimilar properties. This amino acid position is conserved. In addition, this alteration is predicted to be tolerated by in silico analysis. Since supporting evidence is limited at this time, the clinical significance of this alteration remains unclear.

NM_021076.4(NEFH):c.727G>C (p.Gly243Arg)

Gene: NEFH (neurofilament heavy chain; plus strand). Cytogenetic location: 22q12.2.
Variant type: single nucleotide variant.
Coding change: c.727G>C on transcript NM_021076.4 (MANE Select); coding-DNA position 727, G replaced by C.
Protein change: p.Gly243Arg; replaces glycine 243 with arginine.
Molecular consequence: missense variant.
Genome position (GRCh38, 1-based): chr22:29,480,989, G>C. VCF-style: chr22-29480989-G-C. GRCh37 (hg19) VCF-style: chr22-29876978-G-C.
Other names: short protein forms G243R.
Identifiers: ClinVar variation 1460954 (VCV001460954.35), dbSNP rs548521745, ClinGen allele CA323083112.